The following is an entry in ClinVar:

NM_000548.5(TSC2):c.4581T>C (p.Phe1527=)

Gene: TSC2 (TSC complex subunit 2; plus strand). Cytogenetic location: 16p13.3.
Variant type: single nucleotide variant.
Coding change: c.4581T>C on transcript NM_000548.5 (MANE Select); coding-DNA position 4581, T replaced by C.
Protein change: p.Phe1527=; no amino-acid change (phenylalanine 1527 retained).
Molecular consequence: synonymous variant.
Genome position (GRCh38, 1-based): chr16:2,085,241, T>C. VCF-style: chr16-2085241-T-C. GRCh37 (hg19) VCF-style: chr16-2135242-T-C.
Other names: c.4380T>C, p.Phe1460= (NM_001077183.3); c.4512T>C, p.Phe1504= (NM_001114382.3); c.4272T>C, p.Phe1424= (NM_001318827.2); c.4236T>C, p.Phe1412= (NM_001318829.2); c.3849T>C, p.Phe1283= (NM_001318831.2); c.4413T>C, p.Phe1471= (NM_001318832.2); c.4383T>C, p.Phe1461= (NM_001363528.2); c.4449T>C, p.Phe1483= (NM_001370404.1); and 1 more.
Identifiers: ClinVar variation 468104 (VCV000468104.15), dbSNP rs745860116, ClinGen allele CA051874.
Genomic context (GRCh38, chr16:2,085,241, plus strand): 5'-CTCCTGTGGACGGGCGTCTGGGGCTCAGGCAGGGCTCTGTGTGCCACAGTCACAGTCCTT[T>C]GAGCGGTCGGTGCAGCTCCTCGACCAGATCCCATCATACGACACCCACAAGATCGCCGTC-3'
Protein context (NP_000539.2, residues 1517-1537): PILLPNESQS[Phe1527=]ERSVQLLDQI

ClinVar aggregate classification (germline): Benign/Likely benign. Review status: criteria provided, multiple submitters, no conflicts (2 of 4 stars). 3 submissions from 3 submitters: Benign (1); Likely benign (2). Last evaluated 2025-07-27.

Conditions:
Hereditary cancer-predisposing syndrome. Also called: Hereditary neoplastic syndrome; Neoplastic Syndromes, Hereditary; Tumor predisposition; Hereditary Cancer Syndrome. Identifiers: Orphanet 140162, MedGen C0027672, MeSH D009386, MONDO:0015356.
Tuberous sclerosis 2 (TSC2). Identifiers: Orphanet 805, MedGen C1860707, MONDO:0013199, OMIM 613254.

Allele frequency attached by ClinVar (database versions not stated): TOPMed below 0.00001; gnomAD exomes 0.00001; ExAC 0.00002.
gnomAD v4.1: 6 of 1,612,744 alleles (0.00037%); highest among the groups gnomAD compares: Non-Finnish European, 0.00042%; no homozygotes.

Submissions (3):

Labcorp Genetics (formerly Invitae), Labcorp
Classification: Likely benign for Tuberous sclerosis 2. Last evaluated: 2025-07-27. Review status: criteria provided, single submitter. Criteria: Invitae Variant Classification Sherloc (09022015). Collection method: clinical testing. Allele origin: germline.

Myriad Genetics, Inc.
Classification: Benign for Tuberous sclerosis 2. Last evaluated: 2025-06-04. Review status: criteria provided, single submitter. Criteria: Myriad Autosomal Dominant, Autosomal Recessive and X-Linked Classification Criteria (2023). Collection method: clinical testing. Allele origin: unknown.
Comment: This variant is considered benign. This variant is a silent/synonymous amino acid change and it is not expected to impact splicing.

Ambry Genetics
Classification: Likely benign for Hereditary cancer-predisposing syndrome. Last evaluated: 2020-09-09. Review status: criteria provided, single submitter. Criteria: Ambry Variant Classification Scheme 2023. Collection method: clinical testing. Allele origin: germline.